The following is an entry in ClinVar:

ClinVar aggregate classification (germline): Benign/Likely benign. Review status: criteria provided, multiple submitters, no conflicts (2 of 4 stars). 3 submissions from 3 submitters: Benign (1); Likely benign (1). 1 of the submissions does not count toward it. Last evaluated 2025-12-01.

Conditions:
ZTTK syndrome (ZTTKS). Also called: ZTTK MULTIPLE CONGENITAL ANOMALIES-MENTAL RETARDATION SYNDROME; Zhu-Tokita-Takenouchi-Kim Syndrome. Identifiers: Orphanet 500150, MedGen C4310696, MONDO:0014936, OMIM 617140.
SON-related disorder. Also called: SON-related condition.

Allele frequency attached by ClinVar (database versions not stated): gnomAD exomes 0.00019 and 0.00049; ExAC 0.00065; gnomAD 0.00193 and 0.00199; ESP Exome Variant Server 0.00215; TOPMed 0.00221; 1000 Genomes Project 30x 0.00297; 1000 Genomes Project 0.00339.
gnomAD v4.1: 570 of 1,614,086 alleles (0.035%); highest among the groups gnomAD compares: African/African-American, 0.7%; 3 homozygotes.

Submissions (3):

Labcorp Genetics (formerly Invitae), Labcorp
Classification: Benign. Last evaluated: 2025-12-01. Review status: criteria provided, single submitter. Criteria: Invitae Variant Classification Sherloc (09022015). Collection method: clinical testing. Allele origin: germline.

Fulgent Genetics
Classification: Likely benign for ZTTK syndrome. Last evaluated: 2021-08-24. Review status: criteria provided, single submitter. Criteria: ACMG Guidelines, 2015. Collection method: clinical testing. Allele origin: unknown.

PreventionGenetics, part of Exact Sciences
Classification: Benign for SON-related condition. Last evaluated: 2020-03-27. Review status: no assertion criteria provided. Collection method: clinical testing. Allele origin: germline. Not counted in ClinVar's aggregate classification.
Comment: This variant is classified as benign based on ACMG/AMP sequence variant interpretation guidelines (Richards et al. 2015 PMID: 25741868, with internal and published modifications).

NM_138927.4(SON):c.4583A>G (p.His1528Arg)

Gene: SON (SON DNA and RNA binding protein; plus strand). Cytogenetic location: 21q22.11.
Variant type: single nucleotide variant.
Coding change: c.4583A>G on transcript NM_138927.4 (MANE Select); coding-DNA position 4583, A replaced by G.
Protein change: p.His1528Arg; replaces histidine 1528 with arginine.
Molecular consequence: missense variant. On other transcripts: non-coding transcript variant (1), intron variant (1).
Genome position (GRCh38, 1-based): chr21:33,553,814, A>G. VCF-style: chr21-33553814-A-G. GRCh37 (hg19) VCF-style: chr21-34926120-A-G.
Other names: c.4583A>G, p.His1528Arg (NM_001291411.2, NM_032195.3); c.245-3342A>G (NM_001291412.3); c.4583A>G (NM_138927.2); short protein forms H1528R.
Identifiers: ClinVar variation 781594 (VCV000781594.12), dbSNP rs138957569, ClinGen allele CA10009561.